The following is an entry in ClinVar:

NM_006206.6(PDGFRA):c.1919C>A (p.Ala640Asp)

Gene: PDGFRA (platelet derived growth factor receptor alpha; plus strand). Cytogenetic location: 4q12.
Variant type: single nucleotide variant.
Coding change: c.1919C>A on transcript NM_006206.6 (MANE Select); coding-DNA position 1919, C replaced by A.
Protein change: p.Ala640Asp; replaces alanine 640 with aspartic acid.
Molecular consequence: missense variant.
Genome position (GRCh38, 1-based): chr4:54,277,923, C>A. VCF-style: chr4-54277923-C-A. GRCh37 (hg19) VCF-style: chr4-55144090-C-A.
Other names: c.1919C>A, p.Ala640Asp (NM_001347827.2, NM_001347829.2); c.1994C>A, p.Ala665Asp (NM_001347828.2); c.1958C>A, p.Ala653Asp (NM_001347830.2); short protein forms A665D, A640D, A653D.
Identifiers: ClinVar variation 2453870 (VCV002453870.2), dbSNP rs2110311113, ClinGen allele CA356893623.

ClinVar aggregate classification (germline): Uncertain significance (1 of 4 stars; one submission).

Conditions:
Hereditary cancer-predisposing syndrome. Also called: Neoplastic Syndromes, Hereditary; Hereditary neoplastic syndrome; Tumor predisposition; Hereditary Cancer Syndrome. Identifiers: Orphanet 140162, MedGen C0027672, MeSH D009386, MONDO:0015356.

Allele frequency attached by ClinVar (database versions not stated): gnomAD exomes below 0.00001.
gnomAD v4.1: 1 of 1,613,362 alleles (0.000062%); highest among the groups gnomAD compares: Non-Finnish European, 0.000085%; no homozygotes.

Submission:

Ambry Genetics
Classification: Uncertain significance for Hereditary cancer-predisposing syndrome. Last evaluated: 2023-02-10. Review status: criteria provided, single submitter. Criteria: Ambry Variant Classification Scheme 2023. Collection method: clinical testing. Allele origin: germline.
Comment: The p.A640D variant (also known as c.1919C>A), located in coding exon 13 of the PDGFRA gene, results from a C to A substitution at nucleotide position 1919. The alanine at codon 640 is replaced by aspartic acid, an amino acid with dissimilar properties. This amino acid position is conserved. In addition, this alteration is predicted to be deleterious by in silico analysis. Since supporting evidence is limited at this time, the clinical significance of this alteration remains unclear.